The following is an entry in ClinVar:

ClinVar aggregate classification (germline): Uncertain significance (1 of 4 stars; one submission).

Allele frequency attached by ClinVar (database versions not stated): TOPMed below 0.00001; gnomAD 0.00001; gnomAD exomes 0.00001.
gnomAD v4.1: 4 of 1,613,524 alleles (0.00025%); highest among the groups gnomAD compares: Admixed American, 0.0033%; no homozygotes.

Submission:

Labcorp Genetics (formerly Invitae), Labcorp
Classification: Uncertain significance. Last evaluated: 2023-11-27. Review status: criteria provided, single submitter. Criteria: Invitae Variant Classification Sherloc (09022015). Collection method: clinical testing. Allele origin: germline.
Comment: This sequence change replaces threonine, which is neutral and polar, with alanine, which is neutral and non-polar, at codon 348 of the ARPC1B protein (p.Thr348Ala). This variant is present in population databases (no rsID available, gnomAD 0.007%). This variant has not been reported in the literature in individuals affected with ARPC1B-related conditions. ClinVar contains an entry for this variant (Variation ID: 1371327). Advanced modeling of protein sequence and biophysical properties (such as structural, functional, and spatial information, amino acid conservation, physicochemical variation, residue mobility, and thermodynamic stability) performed at Invitae indicates that this missense variant is not expected to disrupt ARPC1B protein function with a negative predictive value of 80%. In summary, the available evidence is currently insufficient to determine the role of this variant in disease. Therefore, it has been classified as a Variant of Uncertain Significance.

NM_005720.4(ARPC1B):c.1042A>G (p.Thr348Ala)

Gene: ARPC1B (actin related protein 2/3 complex subunit 1B; plus strand). Cytogenetic location: 7q22.1.
Variant type: single nucleotide variant.
Coding change: c.1042A>G on transcript NM_005720.4 (MANE Select); coding-DNA position 1042, A replaced by G.
Protein change: p.Thr348Ala; replaces threonine 348 with alanine.
Molecular consequence: missense variant.
Genome position (GRCh38, 1-based): chr7:99,394,081, A>G. VCF-style: chr7-99394081-A-G. GRCh37 (hg19) VCF-style: chr7-98991704-A-G.
Other names: short protein forms T348A.
Identifiers: ClinVar variation 1371327 (VCV001371327.6), dbSNP rs996704334, ClinGen allele CA163115437.
Genomic context (GRCh38, chr7:99,394,081, plus strand): 5'-CTTTGCAGCCAGATCTCGGTGCTCAGCGGCGGCAAGGCCAAGTGCTCGCAGTTCTGCACC[A>G]CTGGCATGGATGGCGGCATGAGTATCTGGGATGTGAAGGTGAGGCTTGCCCCTCCTGGCT-3'
Protein context (NP_005711.1, residues 338-358): GKAKCSQFCT[Thr348Ala]GMDGGMSIWD